The following is an entry in ClinVar:

ClinVar aggregate classification (germline): Uncertain significance (1 of 4 stars; one submission).

Conditions:
Developmental delay with or without dysmorphic facies and autism. Identifiers: MedGen C5193106, MONDO:0032760, OMIM 618454.

Submission:

3billion
Classification: Uncertain significance for Developmental delay with or without dysmorphic facies and autism. Last evaluated: 2025-12-01. Review status: criteria provided, single submitter. Criteria: ACMG Guidelines, 2015. Collection method: clinical testing. Allele origin: germline. Affected: yes.
Comment: The variant is not observed in the gnomAD v4.1.0 dataset. Predicted Consequence/Location: Missense variant. Missense changes are a common disease-causing mechanism. In silico tool predictions suggest damaging effect of the variant on gene or gene product [REVEL: 0.79 (>=0.6, sensitivity 0.68 and specificity 0.92); 3Cnet: 0.16 (> 0.75, sensitivity 0.96 and precision 0.92)]. Different missense changes at the same codon have been reported as of uncertain significance (ClinVar ID: VCV002129385). Therefore, this variant is classified as VUS according to the recommendation of ACMG/AMP guideline.

NM_001375524.1(TRRAP):c.10616T>C (p.Ile3539Thr)

Gene: TRRAP (transformation/transcription domain associated protein; plus strand). Cytogenetic location: 7q22.1.
Variant type: single nucleotide variant.
Coding change: c.10616T>C on transcript NM_001375524.1 (MANE Select); coding-DNA position 10616, T replaced by C.
Protein change: p.Ile3539Thr; replaces isoleucine 3539 with threonine.
Molecular consequence: missense variant.
Genome position (GRCh38, 1-based): chr7:99,005,211, T>C. VCF-style: chr7-99005211-T-C. GRCh37 (hg19) VCF-style: chr7-98602834-T-C.
Other names: c.10574T>C, p.Ile3525Thr (NM_001244580.2); c.10487T>C, p.Ile3496Thr (NM_003496.4); short protein forms I3496T, I3525T, I3539T.
Identifiers: ClinVar variation 4854287 (VCV004854287.1).